The following is an entry in ClinVar:

NM_198174.3(GRHL3):c.1695-3293C>A

Genes: GRHL3 (grainyhead like transcription factor 3; plus strand), STPG1 (sperm tail PG-rich repeat containing 1; minus strand). Cytogenetic location: 1p36.11.
Variant type: single nucleotide variant.
Coding change: c.1695-3293C>A on transcript NM_198174.3; 3293 bases into the intron before coding-DNA position 1695, C replaced by A.
Molecular consequence: intron variant. On other transcripts: missense variant (4).
Genome position (GRCh38, 1-based): chr1:24,360,892, C>A. VCF-style: chr1-24360892-C-A. GRCh37 (hg19) VCF-style: chr1-24687382-C-A.
Other names: c.611G>T, p.Arg204Leu (NM_001199014.2); c.746G>T, p.Arg249Leu (NM_178122.5); c.887G>T, p.Arg296Leu (NM_001199012.2, NM_001199013.2); short protein forms R204L, R249L, R296L.
Identifiers: ClinVar variation 4847791 (VCV004847791.1).
Genomic context (GRCh38, chr1:24,360,892, plus strand): 5'-TTTAAAACAATCCTCTGACCTGGGCCAGGCAGGCCTGGCTGAGGCGGCGCCGCTGTCCAC[C>A]GGCTGGTATTGGACACGAATGATGCACTAGAGATGAAATGCTTGCGGGGGCCTAAGTAGT-3'

ClinVar aggregate classification (germline): Uncertain significance (1 of 4 stars; one submission).

gnomAD v4.1: 2 of 1,613,492 alleles (0.00012%); highest among the groups gnomAD compares: Admixed American, 0.0017%; no homozygotes.

Submission:

Women's Health and Genetics/Laboratory Corporation of America, LabCorp
Classification: Uncertain significance. Last evaluated: 2026-02-16. Review status: criteria provided, single submitter. Criteria: LabCorp Variant Classification Summary - May 2015. Collection method: clinical testing. Allele origin: germline.
Comment: Variant summary: GRHL3 c.1695-3293C>A is located at a position not widely known to affect splicing. Several computational tools predict a significant impact on normal splicing: Three predict the variant creates a 3' acceptor site. However, these predictions have yet to be confirmed by functional studies. The variant allele was found at a frequency of 8e-06 in 250196 control chromosomes. The available data on variant occurrences in the general population are insufficient to allow any conclusion about variant significance. To our knowledge, no occurrence of c.1695-3293C>A in individuals affected with GRHL3-related conditions and no experimental evidence demonstrating its impact on protein function have been reported. No submitters have cited clinical-significance assessments for this variant to ClinVar. Based on the evidence outlined above, the variant was classified as uncertain significance.